The following is an entry in ClinVar:

ClinVar aggregate classification (germline): Likely benign (1 of 4 stars; one submission).

gnomAD v4.1: 1 of 1,609,896 alleles (0.000062%); highest among the groups gnomAD compares: South Asian, 0.0011%; no homozygotes.

Submission:

CeGaT Center for Human Genetics Tuebingen
Classification: Likely benign. Last evaluated: 2022-09-01. Review status: criteria provided, single submitter. Criteria: CeGaT Center For Human Genetics Tuebingen Variant Classification Criteria Version 2. Collection method: clinical testing. Allele origin: germline. Affected: yes. Observed: 1 variant allele.
Comment: ARFGAP1: PM2:Supporting, BP4, BP7

NM_018209.4(ARFGAP1):c.1104C>G (p.Gly368=)

Gene: ARFGAP1 (ARF GTPase activating protein 1; plus strand). Cytogenetic location: 20q13.33.
Variant type: single nucleotide variant.
Coding change: c.1104C>G on transcript NM_018209.4 (MANE Select); coding-DNA position 1104, C replaced by G.
Protein change: p.Gly368=; no amino-acid change (glycine 368 retained).
Molecular consequence: synonymous variant. On other transcripts: 3 prime UTR variant (1), non-coding transcript variant (2).
Genome position (GRCh38, 1-based): chr20:63,287,756, C>G. VCF-style: chr20-63287756-C-G. GRCh37 (hg19) VCF-style: chr20-61919108-C-G.
Other names: c.*131C>G (NM_001281482.2); c.969C>G, p.Gly323= (NM_001281483.2); c.765C>G, p.Gly255= (NM_001281484.2); c.1128C>G, p.Gly376= (NM_175609.3).
Identifiers: ClinVar variation 2652519 (VCV002652519.24), dbSNP rs764663660, ClinGen allele CA511338048.